The following is an entry in ClinVar:

NM_004004.6(GJB2):c.344T>G (p.Phe115Cys)

Gene: GJB2 (gap junction protein beta 2; minus strand). Cytogenetic location: 13q12.11.
Variant type: single nucleotide variant.
Coding change: c.344T>G on transcript NM_004004.6 (MANE Select); coding-DNA position 344, T replaced by G.
Protein change: p.Phe115Cys; replaces phenylalanine 115 with cysteine.
Molecular consequence: missense variant.
Genome position (GRCh38, 1-based): chr13:20,189,238, A>C on the plus strand (T>G on the coding strand, the complement: GJB2 is on the minus strand). VCF-style: chr13-20189238-A-C. GRCh37 (hg19) VCF-style: chr13-20763377-A-C.
Other names: short protein forms F115C.
Identifiers: ClinVar variation 4686039 (VCV004686039.1).
Genomic context (GRCh38, chr13:20,189,238, plus strand): 5'-GTCCACCACAGGGAGCCTTCGATGCGGACCTTCTGGGTTTTGATCTCCTCGATGTCCTTA[A>C]ATTCACTCTTTATCTCCCCCTTGATGAACTTCCTCTTCTTCTCATGTCTCCGGTAGGCCA-3'
Protein context (NP_003995.2, residues 105-125): KFIKGEIKSE[Phe115Cys]KDIEEIKTQK

ClinVar aggregate classification (germline): Uncertain significance (1 of 4 stars; one submission).

Submission:

ARUP Laboratories, Molecular Genetics and Genomics, ARUP Laboratories
Classification: Uncertain significance. Last evaluated: 2025-01-17. Review status: criteria provided, single submitter. Criteria: ARUP Molecular Germline Variant Investigation Process 2024. Collection method: clinical testing. Allele origin: germline.
Comment: The GJB2 c.344T>G; p.Phe115Cys variant (rs1265940668) is reported in the literature in 5 individuals affected with hearing loss (Wattanasirichaigoon 2004, Yu 2020) and on one allele in two unaffected controls (Chen 2014). This variant is only observed on three alleles in the Genome Aggregation Database (v2.1.1), indicating it is not a common polymorphism. Computational analyses are uncertain whether this variant is neutral or deleterious (REVEL: 0.630). Due to limited information, the clinical significance of this variant is uncertain at this time. References: Chen T et al. Update of the spectrum of GJB2 mutations in 107 patients with nonsyndromic hearing loss in the Fujian population of China. Ann Hum Genet. 2014 May;78(3):235-42. PMID: 24645897. Wattanasirichaigoon D et al. High prevalence of V37I genetic variant in the connexin-26 (GJB2) gene among non-syndromic hearing-impaired and control Thai individuals. Clin Genet. 2004 Nov;66(5):452-60. PMID: 15479191. Yu X et al. Molecular epidemiology of Chinese Han deaf patients with bi-allelic and mono-allelic GJB2 mu-tations. Orphanet J Rare Dis. 2020 Jan 28;15(1):29. PMID: 31992338.